The following is an entry in ClinVar:

ClinVar aggregate classification (germline): Benign/Likely benign. Review status: criteria provided, multiple submitters, no conflicts (2 of 4 stars). 5 submissions from 5 submitters: Benign (1); Likely benign (3). 1 of the submissions does not count toward it. Last evaluated 2026-01-05.

Conditions:
Inborn genetic diseases. Identifiers: MedGen C0950123, MeSH D030342.
Mucopolysaccharidosis, MPS-III-C (MPS3C). Also called: MPS IIIC (Sanfilippo Syndrome Type C); MUCOPOLYSACCHARIDOSIS, TYPE IIIC; Mucopolysaccharidosis type IIIC (Sanfilippo C); mucopolysaccharidosis type 3C; SANFILIPPO SYNDROME C; MPS III C. Identifiers: Orphanet 581, Orphanet 79271, MedGen C0086649, MONDO:0009657, OMIM 252930.
Retinitis pigmentosa 73 (RP73). Identifiers: Orphanet 791, MedGen C4225287, MONDO:0014687, OMIM 616544.

Allele frequency attached by ClinVar (database versions not stated): ExAC 0.00017; TOPMed 0.00040; ESP Exome Variant Server 0.00040; 1000 Genomes Project 30x 0.00078; gnomAD exomes 0.00008; 1000 Genomes Project 0.00060.

Submissions (5):

Labcorp Genetics (formerly Invitae), Labcorp
Classification: Likely benign for Retinitis pigmentosa 73; Mucopolysaccharidosis, MPS-III-C. Last evaluated: 2026-01-05. Review status: criteria provided, single submitter. Criteria: Invitae Variant Classification Sherloc (09022015). Collection method: clinical testing. Allele origin: germline.

Ambry Genetics
Classification: Likely benign for Inborn genetic diseases. Last evaluated: 2025-12-04. Review status: criteria provided, single submitter. Criteria: Ambry Variant Classification Scheme 2023. Collection method: clinical testing. Allele origin: germline.

Mayo Clinic Laboratories, Mayo Clinic
Classification: Likely benign. Last evaluated: 2025-10-07. Review status: criteria provided, single submitter. Criteria: ACMG Guidelines, 2015. Collection method: clinical testing. Allele origin: germline. Observed: 1 variant allele.
Comment: BS1, BP4_moderate

Blueprint Genetics
Classification: Benign. Last evaluated: 2024-10-16. Review status: criteria provided, single submitter. Criteria: ACMG Guidelines, 2015. Collection method: clinical testing. Allele origin: germline.

Natera, Inc.
Classification: Uncertain significance for Mucopolysaccharidosis type IIIC. Last evaluated: 2020-04-14. Review status: no assertion criteria provided. Collection method: clinical testing. Allele origin: germline. Not counted in ClinVar's aggregate classification.

NM_152419.3(HGSNAT):c.682C>A (p.Pro228Thr)

Gene: HGSNAT (heparan-alpha-glucosaminide N-acetyltransferase; plus strand). Cytogenetic location: 8p11.21.
Variant type: single nucleotide variant.
Coding change: c.682C>A on transcript NM_152419.3 (MANE Select); coding-DNA position 682, C replaced by A.
Protein change: p.Pro228Thr; replaces proline 228 with threonine.
Molecular consequence: missense variant. On other transcripts: 5 prime UTR variant (1).
Genome position (GRCh38, 1-based): chr8:43,170,633, C>A. VCF-style: chr8-43170633-C-A. GRCh37 (hg19) VCF-style: chr8-43025776-C-A.
Other names: p.Pro228Thr; c.682C>A (NM_152419.2); c.682C>A, p.Pro228Thr (NM_001363227.2, NM_001363228.2); c.-152C>A (NM_001363229.2); short protein forms P228T.
Identifiers: ClinVar variation 1053579 (VCV001053579.10), dbSNP rs369975831, ClinGen allele CA4736585.